The following is an entry in ClinVar:

NM_004385.5(VCAN):c.1654T>G (p.Leu552Val)

Gene: VCAN (versican; plus strand). Cytogenetic location: 5q14.3.
Variant type: single nucleotide variant.
Coding change: c.1654T>G on transcript NM_004385.5 (MANE Select); coding-DNA position 1654, T replaced by G.
Protein change: p.Leu552Val; replaces leucine 552 with valine.
Molecular consequence: missense variant. On other transcripts: intron variant (2).
Genome position (GRCh38, 1-based): chr5:83,519,960, T>G. VCF-style: chr5-83519960-T-G. GRCh37 (hg19) VCF-style: chr5-82815779-T-G.
Other names: c.1654T>G, p.Leu552Val (NM_001164098.2); c.1042+7564T>G (NM_001164097.2, NM_001126336.3); short protein forms L552V.
Identifiers: ClinVar variation 3009641 (VCV003009641.3), dbSNP rs1008970577, ClinGen allele CA121791202.
Genomic context (GRCh38, chr5:83,519,960, plus strand): 5'-GAAAAGAAAATGGTAAGCACTGTTTCTGAATTGGTAACCACAGGTCACTATGGATTCACC[T>G]TGGGAGAAGAGGATGATGAAGACAGAACACTTACAGTTGGATCTGATGAGAGCACCTTGA-3'
Protein context (NP_004376.2, residues 542-562): LVTTGHYGFT[Leu552Val]GEEDDEDRTL

ClinVar aggregate classification (germline): Uncertain significance (1 of 4 stars; one submission).

Allele frequency attached by ClinVar (database versions not stated): gnomAD 0.00001; gnomAD exomes 0.00001; TOPMed 0.00002.
gnomAD v4.1: 4 of 1,613,976 alleles (0.00025%); highest among the groups gnomAD compares: Non-Finnish European, 0.00034%; no homozygotes.

Submission:

Labcorp Genetics (formerly Invitae), Labcorp
Classification: Uncertain significance. Last evaluated: 2023-11-06. Review status: criteria provided, single submitter. Criteria: Invitae Variant Classification Sherloc (09022015). Collection method: clinical testing. Allele origin: germline.
Comment: This sequence change replaces leucine, which is neutral and non-polar, with valine, which is neutral and non-polar, at codon 552 of the VCAN protein (p.Leu552Val). This variant is present in population databases (no rsID available, gnomAD 0.002%). This variant has not been reported in the literature in individuals affected with VCAN-related conditions. Algorithms developed to predict the effect of missense changes on protein structure and function output the following: SIFT: "Not Available"; PolyPhen-2: "Benign"; Align-GVGD: "Not Available". The valine amino acid residue is found in multiple mammalian species, which suggests that this missense change does not adversely affect protein function. In summary, the available evidence is currently insufficient to determine the role of this variant in disease. Therefore, it has been classified as a Variant of Uncertain Significance.